The following is an entry in ClinVar:

ClinVar aggregate classification (germline): Uncertain significance (1 of 4 stars; one submission).

Submission:

Labcorp Genetics (formerly Invitae), Labcorp
Classification: Uncertain significance. Last evaluated: 2023-05-16. Review status: criteria provided, single submitter. Criteria: Invitae Variant Classification Sherloc (09022015). Collection method: clinical testing. Allele origin: germline.
Comment: In summary, the available evidence is currently insufficient to determine the role of this variant in disease. Therefore, it has been classified as a Variant of Uncertain Significance. Algorithms developed to predict the effect of sequence changes on RNA splicing suggest that this variant may disrupt the consensus splice site. This variant has not been reported in the literature in individuals affected with GNAT1-related conditions. This variant is not present in population databases (gnomAD no frequency). This sequence change falls in intron 6 of the GNAT1 gene. It does not directly change the encoded amino acid sequence of the GNAT1 protein.

NM_144499.3(GNAT1):c.709-18A>T

Gene: GNAT1 (G protein subunit alpha transducin 1; plus strand). Cytogenetic location: 3p21.31.
Variant type: single nucleotide variant.
Coding change: c.709-18A>T on transcript NM_144499.3 (MANE Select); 18 bases into the intron before coding-DNA position 709, A replaced by T.
Molecular consequence: intron variant.
Genome position (GRCh38, 1-based): chr3:50,194,483, A>T. VCF-style: chr3-50194483-A-T. GRCh37 (hg19) VCF-style: chr3-50231916-A-T.
Other names: c.709-18A>T (NM_000172.4).
Identifiers: ClinVar variation 2865094 (VCV002865094.3), dbSNP rs2546146989, ClinGen allele CA2739279777.